The following is an entry in ClinVar:

ClinVar aggregate classification (germline): Uncertain significance (1 of 4 stars; one submission).

Allele frequency attached by ClinVar (database versions not stated): TOPMed 0.00002; gnomAD 0.00003; gnomAD exomes 0.00004; ExAC 0.00005.
gnomAD v4.1: 54 of 1,612,236 alleles (0.0033%); highest among the groups gnomAD compares: Non-Finnish European, 0.0041%; 1 homozygote.

Submission:

CeGaT Center for Human Genetics Tuebingen
Classification: Uncertain significance. Last evaluated: 2024-04-01. Review status: criteria provided, single submitter. Criteria: CeGaT Center For Human Genetics Tuebingen Variant Classification Criteria Version 2. Collection method: clinical testing. Allele origin: germline. Affected: yes. Observed: 1 variant allele.
Comment: TTN: PM2, BP4

NM_001267550.2(TTN):c.36031C>T (p.Pro12011Ser)

Gene: TTN (titin; minus strand). Cytogenetic location: 2q31.2.
Variant type: single nucleotide variant.
Coding change: c.36031C>T on transcript NM_001267550.2 (MANE Select); coding-DNA position 36031, C replaced by T.
Protein change: p.Pro12011Ser; replaces proline 12011 with serine.
Molecular consequence: missense variant. On other transcripts: intron variant (5).
Genome position (GRCh38, 1-based): chr2:178,665,389, G>A on the plus strand (C>T on the coding strand, the complement: TTN is on the minus strand). VCF-style: chr2-178665389-G-A. GRCh37 (hg19) VCF-style: chr2-179530116-G-A.
Other names: c.13283-23072C>T (NM_003319.4); c.13859-23072C>T (NM_133437.4); c.13658-23072C>T (NM_133432.3); c.31484-2334C>T (NM_133378.4); c.34265-2334C>T (NM_001256850.1); short protein forms P12011S.
Identifiers: ClinVar variation 3234417 (VCV003234417.20), dbSNP rs760587329, ClinGen allele CA1997688.